The following is an entry in ClinVar:

ClinVar aggregate classification (germline): Uncertain significance (1 of 4 stars; one submission).

Conditions:
NFE2L2-related disorder. Also called: NFE2L2-related condition.

Submission:

PreventionGenetics, part of Exact Sciences
Classification: Uncertain significance for NFE2L2-related condition. Last evaluated: 2026-09-22. Review status: criteria provided, single submitter. Criteria: ACMG Guidelines, 2015. Collection method: clinical testing. Allele origin: germline.
Comment: The NFE2L2 c.1514G>T variant is predicted to result in the amino acid substitution p.Gly505Val. To our knowledge, this variant has not been reported in the literature or in a large population database (gnomAD), indicating this variant is rare. At this time, the clinical significance of this variant is uncertain due to the absence of conclusive functional and genetic evidence.

NM_006164.5(NFE2L2):c.1514G>T (p.Gly505Val)

Gene: NFE2L2 (NFE2 like bZIP transcription factor 2; minus strand). Cytogenetic location: 2q31.2.
Variant type: single nucleotide variant.
Coding change: c.1514G>T on transcript NM_006164.5 (MANE Select); coding-DNA position 1514, G replaced by T.
Protein change: p.Gly505Val; replaces glycine 505 with valine.
Molecular consequence: missense variant.
Genome position (GRCh38, 1-based): chr2:177,231,089, C>A on the plus strand (G>T on the coding strand, the complement: NFE2L2 is on the minus strand). VCF-style: chr2-177231089-C-A. GRCh37 (hg19) VCF-style: chr2-178095817-C-A.
Other names: c.1466G>T, p.Gly489Val (NM_001145412.3, NM_001313900.1, NM_001313901.1); c.1445G>T, p.Gly482Val (NM_001145413.3); c.1424G>T, p.Gly475Val (NM_001313902.2); c.1295G>T, p.Gly432Val (NM_001313903.2); c.1214G>T, p.Gly405Val (NM_001313904.1); short protein forms G475V, G489V, G432V, G505V, G405V, G482V.
Identifiers: ClinVar variation 4993280 (VCV004993280.1).